The following is an entry in ClinVar:

NM_004560.4(ROR2):c.*229C>T

Gene: ROR2 (receptor tyrosine kinase like orphan receptor 2; minus strand). Cytogenetic location: 9q22.31.
Variant type: single nucleotide variant.
Coding change: c.*229C>T on transcript NM_004560.4 (MANE Select); 229 bases downstream of the stop codon, C replaced by T.
Molecular consequence: 3 prime UTR variant.
Genome position (GRCh38, 1-based): chr9:91,723,433, G>A on the plus strand (C>T on the coding strand, the complement: ROR2 is on the minus strand). VCF-style: chr9-91723433-G-A. GRCh37 (hg19) VCF-style: chr9-94485715-G-A.
Identifiers: ClinVar variation 367491 (VCV000367491.9), dbSNP rs75004227, ClinGen allele CA10627645.

ClinVar aggregate classification (germline): Benign/Likely benign. Review status: criteria provided, multiple submitters, no conflicts (2 of 4 stars). 4 submissions from 3 submitters: Benign (2); Likely benign (2). Last evaluated 2018-11-16.

Conditions:
Autosomal recessive Robinow syndrome (RRS1). Also called: ROBINOW SYNDROME, AUTOSOMAL RECESSIVE 1; COSTOVERTEBRAL SEGMENTATION DEFECT WITH MESOMELIA; COVESDEM SYNDROME; ROR2-Related Robinow Syndrome. Identifiers: Orphanet 1507, Orphanet 97360, MedGen C5399974, MONDO:0009999, OMIM 268310.
Brachydactyly type B1 (BDB1). Identifiers: Orphanet 572385, Orphanet 93383, MedGen C1862112, MONDO:0007220, OMIM 113000.

Allele frequency attached by ClinVar (database versions not stated): gnomAD exomes 0.00144; gnomAD 0.01182 and 0.01251; TOPMed 0.01309; 1000 Genomes Project 0.01458; 1000 Genomes Project 30x 0.01655.
gnomAD v4.1: 2,485 of 610,726 alleles (0.41%); highest among the groups gnomAD compares: African/African-American, 4.1%; 46 homozygotes.

Submissions (4):

GeneDx
Classification: Likely benign. Last evaluated: 2018-11-16. Review status: criteria provided, single submitter. Criteria: GeneDx Variant Classification Process June 2021. Collection method: clinical testing. Allele origin: germline. Affected: yes.

Illumina Laboratory Services, Illumina
Classification: Benign for Autosomal recessive Robinow syndrome. Last evaluated: 2018-01-13. Review status: criteria provided, single submitter. Criteria: ICSL Variant Classification Criteria 13 December 2019. Collection method: clinical testing. Allele origin: germline.
Comment: This variant was observed in the ICSL laboratory as part of a predisposition screen in an ostensibly healthy population. It had not been previously curated by ICSL or reported in the Human Gene Mutation Database (HGMD: prior to June 1st, 2018), and was therefore a candidate for classification through an automated scoring system. Utilizing variant allele frequency, disease prevalence and penetrance estimates, and inheritance mode, an automated score was calculated to assess if this variant is too frequent to cause the disease. Based on the score and internal cut-off values, a variant classified as benign is not then subjected to further curation. The score for this variant resulted in a classification of benign for this disease.

Illumina Laboratory Services, Illumina
Classification: Benign for Brachydactyly type B1. Last evaluated: 2018-01-13. Review status: criteria provided, single submitter. Criteria: ICSL Variant Classification Criteria 13 December 2019. Collection method: clinical testing. Allele origin: germline.
Comment: the same text as in the submission from Illumina Laboratory Services, Illumina above.

Breakthrough Genomics
Classification: Likely benign. Review status: criteria provided, single submitter. Criteria: ACMG Guidelines, 2015. Collection method: not provided. Allele origin: germline. Inheritance: Autosomal recessive inheritance. Affected: yes.